The following is an entry in ClinVar:

ClinVar aggregate classification (germline): Uncertain significance (1 of 4 stars; one submission).

Conditions:
Progressive encephalopathy with leukodystrophy due to DECR deficiency. Identifiers: Orphanet 431361, MedGen C1857252, MONDO:0014464, OMIM 616034.

Submission:

Labcorp Genetics (formerly Invitae), Labcorp
Classification: Uncertain significance for Progressive encephalopathy with leukodystrophy due to DECR deficiency. Last evaluated: 2024-07-08. Review status: criteria provided, single submitter. Criteria: Invitae Variant Classification Sherloc (09022015). Collection method: clinical testing. Allele origin: germline.
Comment: This sequence change replaces glutamic acid, which is acidic and polar, with valine, which is neutral and non-polar, at codon 81 of the NADK2 protein (p.Glu81Val). This variant is not present in population databases (gnomAD no frequency). This variant has not been reported in the literature in individuals affected with NADK2-related conditions. Advanced modeling of protein sequence and biophysical properties (such as structural, functional, and spatial information, amino acid conservation, physicochemical variation, residue mobility, and thermodynamic stability) performed at Invitae indicates that this missense variant is expected to disrupt NADK2 protein function with a positive predictive value of 80%. In summary, the available evidence is currently insufficient to determine the role of this variant in disease. Therefore, it has been classified as a Variant of Uncertain Significance.

NM_001085411.3(NADK2):c.242A>T (p.Glu81Val)

Genes: NADK2 (NAD kinase 2, mitochondrial; minus strand), LOC129993801 (ATAC-STARR-seq lymphoblastoid silent region 15972; plus strand). Cytogenetic location: 5p13.2.
Variant type: single nucleotide variant.
Coding change: c.242A>T on transcript NM_001085411.3 (MANE Select); coding-DNA position 242, A replaced by T.
Protein change: p.Glu81Val; replaces glutamic acid 81 with valine.
Molecular consequence: missense variant. On other transcripts: intron variant (2).
Genome position (GRCh38, 1-based): chr5:36,241,557, T>A on the plus strand (A>T on the coding strand, the complement: NADK2 is on the minus strand). VCF-style: chr5-36241557-T-A. GRCh37 (hg19) VCF-style: chr5-36241659-T-A.
Other names: c.-190+539A>T (NM_153013.5, NM_001287341.2); short protein forms E81V.
Identifiers: ClinVar variation 3659050 (VCV003659050.2).